The following is an entry in ClinVar:

NM_000368.5(TSC1):c.2720A>C (p.Lys907Thr)

Gene: TSC1 (TSC complex subunit 1; minus strand). Cytogenetic location: 9q34.13.
Variant type: single nucleotide variant.
Coding change: c.2720A>C on transcript NM_000368.5 (MANE Select); coding-DNA position 2720, A replaced by C.
Protein change: p.Lys907Thr; replaces lysine 907 with threonine.
Molecular consequence: missense variant. On other transcripts: non-coding transcript variant (5).
Genome position (GRCh38, 1-based): chr9:132,897,516, T>G on the plus strand (A>C on the coding strand, the complement: TSC1 is on the minus strand). VCF-style: chr9-132897516-T-G. GRCh37 (hg19) VCF-style: chr9-135772903-T-G.
Other names: c.2678A>C, p.Lys893Thr (NM_001406607.1, NM_001406605.1, NM_001406606.1); c.2357A>C, p.Lys786Thr (NM_001406617.1, NM_001406618.1, NM_001406619.1 and 4 more transcripts); c.2717A>C, p.Lys906Thr (NM_001406598.1, NM_001406599.1, NM_001406600.1 and 2 more transcripts); c.2354A>C, p.Lys785Thr (NM_001406620.1, NM_001406621.1, NM_001406622.1 and 1 more transcripts); c.2315A>C, p.Lys772Thr (NM_001406624.1); c.2312A>C, p.Lys771Thr (NM_001406625.1); c.1769A>C, p.Lys590Thr (NM_001406626.1); c.2705A>C, p.Lys902Thr (NM_001406601.1, NM_001406602.1); and 8 more; short protein forms K771T, K772T, K786T, K893T, K901T, K906T, K907T, K589T.
Identifiers: ClinVar variation 2702390 (VCV002702390.3), dbSNP rs2538492384, ClinGen allele CA375369353.

ClinVar aggregate classification (germline): Uncertain significance (1 of 4 stars; one submission).

Conditions:
Tuberous sclerosis 1 (TSC1). Identifiers: Orphanet 805, MedGen C1854465, MONDO:0008612, OMIM 191100.

Submission:

Labcorp Genetics (formerly Invitae), Labcorp
Classification: Uncertain significance for Tuberous sclerosis 1. Last evaluated: 2023-12-12. Review status: criteria provided, single submitter. Criteria: Invitae Variant Classification Sherloc (09022015). Collection method: clinical testing. Allele origin: germline.
Comment: This sequence change replaces lysine, which is basic and polar, with threonine, which is neutral and polar, at codon 907 of the TSC1 protein (p.Lys907Thr). This variant is not present in population databases (gnomAD no frequency). This variant has not been reported in the literature in individuals affected with TSC1-related conditions. Advanced modeling of protein sequence and biophysical properties (such as structural, functional, and spatial information, amino acid conservation, physicochemical variation, residue mobility, and thermodynamic stability) performed at Invitae indicates that this missense variant is not expected to disrupt TSC1 protein function with a negative predictive value of 95%. In summary, the available evidence is currently insufficient to determine the role of this variant in disease. Therefore, it has been classified as a Variant of Uncertain Significance.